The following is an entry in ClinVar:

ClinVar aggregate classification (germline): Uncertain significance (1 of 4 stars; one submission).

Submission:

Labcorp Genetics (formerly Invitae), Labcorp
Classification: Uncertain significance. Last evaluated: 2022-10-09. Review status: criteria provided, single submitter. Criteria: Invitae Variant Classification Sherloc (09022015). Collection method: clinical testing. Allele origin: germline.
Comment: This variant has not been reported in the literature in individuals affected with CPLANE1-related conditions. This variant is not present in population databases (gnomAD no frequency). This sequence change replaces serine, which is neutral and polar, with phenylalanine, which is neutral and non-polar, at codon 3073 of the CPLANE1 protein (p.Ser3073Phe). In summary, the available evidence is currently insufficient to determine the role of this variant in disease. Therefore, it has been classified as a Variant of Uncertain Significance. Advanced modeling of protein sequence and biophysical properties (such as structural, functional, and spatial information, amino acid conservation, physicochemical variation, residue mobility, and thermodynamic stability) performed at Invitae indicates that this missense variant is not expected to disrupt CPLANE1 protein function.

NM_001384732.1(CPLANE1):c.9380C>T (p.Ser3127Phe)

Gene: CPLANE1 (ciliogenesis and planar polarity effector complex subunit 1; minus strand). Cytogenetic location: 5p13.2.
Variant type: single nucleotide variant.
Coding change: c.9380C>T on transcript NM_001384732.1 (MANE Select); coding-DNA position 9380, C replaced by T.
Protein change: p.Ser3127Phe; replaces serine 3127 with phenylalanine.
Molecular consequence: missense variant.
Genome position (GRCh38, 1-based): chr5:37,114,980, G>A on the plus strand (C>T on the coding strand, the complement: CPLANE1 is on the minus strand). VCF-style: chr5-37114980-G-A. GRCh37 (hg19) VCF-style: chr5-37115082-G-A.
Other names: c.9218C>T, p.Ser3073Phe (NM_023073.4); short protein forms S3073F, S3127F.
Identifiers: ClinVar variation 2808119 (VCV002808119.3), dbSNP rs1374830797, ClinGen allele CA359491808.